The following is an entry in ClinVar:

ClinVar aggregate classification (germline): Uncertain significance (1 of 4 stars; one submission).

Conditions:
Hereditary cancer-predisposing syndrome. Also called: Tumor predisposition; Hereditary Cancer Syndrome; Hereditary neoplastic syndrome; Neoplastic Syndromes, Hereditary. Identifiers: Orphanet 140162, MedGen C0027672, MeSH D009386, MONDO:0015356.

gnomAD v4.1: 1 of 1,614,082 alleles (0.000062%); highest among the groups gnomAD compares: East Asian, 0.0022%; no homozygotes.

Submission:

Ambry Genetics
Classification: Uncertain significance for Hereditary cancer-predisposing syndrome. Last evaluated: 2025-03-25. Review status: criteria provided, single submitter. Criteria: Ambry Variant Classification Scheme 2023. Collection method: clinical testing. Allele origin: germline.
Comment: The p.V351M variant (also known as c.1051G>A), located in coding exon 10 of the FANCC gene, results from a G to A substitution at nucleotide position 1051. The valine at codon 351 is replaced by methionine, an amino acid with highly similar properties. This amino acid position is conserved. In addition, this alteration is predicted to be tolerated by in silico analysis. Based on the available evidence, the clinical significance of this variant remains unclear.

NM_000136.3(FANCC):c.1051G>A (p.Val351Met)

Genes: AOPEP (aminopeptidase O (putative); plus strand), FANCC (FA complementation group C; minus strand). Cytogenetic location: 9q22.32.
Variant type: single nucleotide variant.
Coding change: c.1051G>A on transcript NM_000136.3 (MANE Select); coding-DNA position 1051, G replaced by A.
Protein change: p.Val351Met; replaces valine 351 with methionine.
Molecular consequence: missense variant.
Genome position (GRCh38, 1-based): chr9:95,117,336, C>T on the plus strand (G>A on the coding strand, the complement: FANCC is on the minus strand). VCF-style: chr9-95117336-C-T. GRCh37 (hg19) VCF-style: chr9-97879618-C-T.
Other names: c.1051G>A, p.Val351Met (NM_001243743.2, NM_001243744.2); short protein forms V351M.
Identifiers: ClinVar variation 3277658 (VCV003277658.2).